The following is an entry in ClinVar:

NM_004656.4(BAP1):c.623G>A (p.Arg208Gln)

Gene: BAP1 (BRCA1 associated deubiquitinase 1; minus strand). Cytogenetic location: 3p21.1.
Variant type: single nucleotide variant.
Coding change: c.623G>A on transcript NM_004656.4 (MANE Select); coding-DNA position 623, G replaced by A.
Protein change: p.Arg208Gln; replaces arginine 208 with glutamine.
Molecular consequence: missense variant.
Genome position (GRCh38, 1-based): chr3:52,406,865, C>T on the plus strand (G>A on the coding strand, the complement: BAP1 is on the minus strand). VCF-style: chr3-52406865-C-T. GRCh37 (hg19) VCF-style: chr3-52440881-C-T.
Other names: short protein forms R208Q.
Identifiers: ClinVar variation 472710 (VCV000472710.10), dbSNP rs867416499, ClinGen allele CA353108957.
Genomic context (GRCh38, chr3:52,406,865, plus strand): 5'-ACAGGGCAGGCACAGGGCCCTTACCCTGCAGTGGCGAGGCCGATACGCTCCATGATGACC[C>T]GCCGGGCCTTGTCTGTCCACTCCTCGTCCTCCCCCCAGGGCCCTAGTGGAGACCAAGACA-3'
Protein context (NP_004647.1, residues 198-218): EDEEWTDKAR[Arg208Gln]VIMERIGLAT

ClinVar aggregate classification (germline): Uncertain significance. Review status: criteria provided, multiple submitters, no conflicts (2 of 4 stars). 2 submissions from 2 submitters: Uncertain significance (2). Last evaluated 2024-07-19.

Conditions:
Hereditary cancer-predisposing syndrome. Also called: Neoplastic Syndromes, Hereditary; Tumor predisposition; Hereditary Cancer Syndrome; Hereditary neoplastic syndrome. Identifiers: Orphanet 140162, MedGen C0027672, MeSH D009386, MONDO:0015356.
BAP1-related tumor predisposition syndrome (TPDS1). Also called: BAP1 tumor predisposition syndrome; COMMON Syndrome; TUMOR PREDISPOSITION SYNDROME 1; Tumor susceptibility linked to germline BAP1 mutations. Identifiers: Orphanet 289539, MedGen C3280492, MONDO:0013692, OMIM 614327.

Allele frequency attached by ClinVar (database versions not stated): gnomAD exomes below 0.00001.

Submissions (2):

Labcorp Genetics (formerly Invitae), Labcorp
Classification: Uncertain significance for BAP1-related tumor predisposition syndrome. Last evaluated: 2024-07-19. Review status: criteria provided, single submitter. Criteria: Invitae Variant Classification Sherloc (09022015). Collection method: clinical testing. Allele origin: germline.
Comment: This sequence change replaces arginine, which is basic and polar, with glutamine, which is neutral and polar, at codon 208 of the BAP1 protein (p.Arg208Gln). This variant is not present in population databases (gnomAD no frequency). This variant has not been reported in the literature in individuals affected with BAP1-related conditions. ClinVar contains an entry for this variant (Variation ID: 472710). Advanced modeling of protein sequence and biophysical properties (such as structural, functional, and spatial information, amino acid conservation, physicochemical variation, residue mobility, and thermodynamic stability) performed at Invitae indicates that this missense variant is not expected to disrupt BAP1 protein function with a negative predictive value of 80%. In summary, the available evidence is currently insufficient to determine the role of this variant in disease. Therefore, it has been classified as a Variant of Uncertain Significance.

Ambry Genetics
Classification: Uncertain significance for Hereditary cancer-predisposing syndrome. Last evaluated: 2023-10-06. Review status: criteria provided, single submitter. Criteria: Ambry Variant Classification Scheme 2023. Collection method: clinical testing. Allele origin: germline.
Comment: The p.R208Q variant (also known as c.623G>A), located in coding exon 8 of the BAP1 gene, results from a G to A substitution at nucleotide position 623. The arginine at codon 208 is replaced by glutamine, an amino acid with highly similar properties. This amino acid position is highly conserved in available vertebrate species. In addition, the in silico prediction for this alteration is inconclusive. Since supporting evidence is limited at this time, the clinical significance of this alteration remains unclear.